The following is an entry in ClinVar:

ClinVar aggregate classification (germline): Uncertain significance. Review status: criteria provided, multiple submitters, no conflicts (2 of 4 stars). 4 submissions from 4 submitters: Uncertain significance (4). Last evaluated 2024-07-23.

Allele frequency attached by ClinVar (database versions not stated): TOPMed 0.00001.
gnomAD v4.1: 22 of 1,211,588 alleles (0.0018%); highest among the groups gnomAD compares: Non-Finnish European, 0.0023%; no homozygotes.

Submissions (4):

Blueprint Genetics
Classification: Uncertain significance. Last evaluated: 2024-07-23. Review status: criteria provided, single submitter. Criteria: ACMG Guidelines, 2015. Collection method: clinical testing. Allele origin: germline.

GeneDx
Classification: Uncertain significance. Last evaluated: 2024-05-04. Review status: criteria provided, single submitter. Criteria: GeneDx Variant Classification Process June 2021. Collection method: clinical testing. Allele origin: germline.
Comment: In silico analysis indicates that this missense variant does not alter protein structure/function; Not observed at significant frequency in large population cohorts (gnomAD); Has not been previously published as pathogenic or benign to our knowledge

Labcorp Genetics (formerly Invitae), Labcorp
Classification: Uncertain significance. Last evaluated: 2024-04-25. Review status: criteria provided, single submitter. Criteria: Invitae Variant Classification Sherloc (09022015). Collection method: clinical testing. Allele origin: germline.
Comment: This sequence change replaces valine, which is neutral and non-polar, with isoleucine, which is neutral and non-polar, at codon 428 of the MID1 protein (p.Val428Ile). This variant is not present in population databases (gnomAD no frequency). This variant has not been reported in the literature in individuals affected with MID1-related conditions. ClinVar contains an entry for this variant (Variation ID: 593868). An algorithm developed to predict the effect of missense changes on protein structure and function (PolyPhen-2) suggests that this variant is likely to be tolerated. In summary, the available evidence is currently insufficient to determine the role of this variant in disease. Therefore, it has been classified as a Variant of Uncertain Significance.

Eurofins Ntd Llc (ga)
Classification: Uncertain significance. Last evaluated: 2017-09-14. Review status: criteria provided, single submitter. Criteria: EGL Classification Definitions 2015. Collection method: clinical testing. Allele origin: germline. Observed: 2 variant alleles, 2 heterozygotes.

NM_000381.4(MID1):c.1282G>A (p.Val428Ile)

Gene: MID1 (midline 1; minus strand). Cytogenetic location: Xp22.2.
Variant type: single nucleotide variant.
Coding change: c.1282G>A on transcript NM_000381.4 (MANE Select); coding-DNA position 1282, G replaced by A.
Protein change: p.Val428Ile; replaces valine 428 with isoleucine.
Molecular consequence: missense variant.
Genome position (GRCh38, 1-based): chrX:10,469,700, C>T on the plus strand (G>A on the coding strand, the complement: MID1 is on the minus strand). VCF-style: chrX-10469700-C-T. GRCh37 (hg19) VCF-style: chrX-10437740-C-T.
Other names: c.1282G>A, p.Val428Ile (NM_001098624.2, NM_001193277.1, NM_001193279.1 and 2 more transcripts); c.1435G>A, p.Val479Ile (NM_001193278.1); c.1168G>A, p.Val390Ile (NM_001193280.1, NM_033289.2); c.1282G>A (NM_000381.2); short protein forms V428I, V390I, V479I.
Identifiers: ClinVar variation 593868 (VCV000593868.9), dbSNP rs1280989248, ClinGen allele CA412052093.